The following is an entry in ClinVar:

NM_004006.3(DMD):c.4274A>C (p.Glu1425Ala)

Gene: DMD (dystrophin; minus strand). Cytogenetic location: Xp21.1.
Variant type: single nucleotide variant.
Coding change: c.4274A>C on transcript NM_004006.3 (MANE Select); coding-DNA position 4274, A replaced by C.
Protein change: p.Glu1425Ala; replaces glutamic acid 1425 with alanine.
Molecular consequence: missense variant.
Genome position (GRCh38, 1-based): chrX:32,390,141, T>G on the plus strand (A>C on the coding strand, the complement: DMD is on the minus strand). VCF-style: chrX-32390141-T-G. GRCh37 (hg19) VCF-style: chrX-32408258-T-G.
Other names: c.4250A>C, p.Glu1417Ala (NM_000109.4); c.4262A>C, p.Glu1421Ala (NM_004009.3); c.3905A>C, p.Glu1302Ala (NM_004010.3); c.251A>C, p.Glu84Ala (NM_004011.4); c.242A>C, p.Glu81Ala (NM_004012.4); short protein forms E1425A, E84A, E1302A, E81A, E1417A, E1421A.
Identifiers: ClinVar variation 2716524 (VCV002716524.3), dbSNP rs2097991249, ClinGen allele CA412664120.

ClinVar aggregate classification (germline): Uncertain significance. Review status: criteria provided, multiple submitters, no conflicts (2 of 4 stars). 2 submissions from 2 submitters: Uncertain significance (2). Last evaluated 2025-05-26.

Conditions:
Cardiovascular phenotype. Identifiers: MedGen CN230736.
Duchenne muscular dystrophy (DMD). Also called: MUSCULAR DYSTROPHY, PSEUDOHYPERTROPHIC PROGRESSIVE, DUCHENNE TYPE; Duchenne Muscular Dystrophy (DMD). Identifiers: Orphanet 98896, MedGen C0013264, MONDO:0010679, OMIM 310200.

Allele frequency attached by ClinVar (database versions not stated): gnomAD 0.00001; TOPMed 0.00001.
gnomAD v4.1: 1 of 1,207,856 alleles (0.000083%); highest among the groups gnomAD compares: African/African-American, 0.0017%; no homozygotes.

Submissions (2):

Ambry Genetics
Classification: Uncertain significance for Cardiovascular phenotype. Last evaluated: 2025-05-26. Review status: criteria provided, single submitter. Criteria: Ambry Variant Classification Scheme 2023. Collection method: clinical testing. Allele origin: germline.
Comment: The p.E1425A variant (also known as c.4274A>C), located in coding exon 31 of the DMD gene, results from an A to C substitution at nucleotide position 4274. The glutamic acid at codon 1425 is replaced by alanine, an amino acid with dissimilar properties. This amino acid position is well conserved in available vertebrate species. In addition, this alteration is predicted to be tolerated by in silico analysis. Based on the available evidence, the clinical significance of this variant remains unclear.

Labcorp Genetics (formerly Invitae), Labcorp
Classification: Uncertain significance for Duchenne muscular dystrophy. Last evaluated: 2024-10-18. Review status: criteria provided, single submitter. Criteria: Invitae Variant Classification Sherloc (09022015). Collection method: clinical testing. Allele origin: germline.
Comment: This sequence change replaces glutamic acid, which is acidic and polar, with alanine, which is neutral and non-polar, at codon 1425 of the DMD protein (p.Glu1425Ala). This variant is not present in population databases (gnomAD no frequency). This variant has not been reported in the literature in individuals affected with DMD-related conditions. Invitae Evidence Modeling of protein sequence and biophysical properties (such as structural, functional, and spatial information, amino acid conservation, physicochemical variation, residue mobility, and thermodynamic stability) indicates that this missense variant is not expected to disrupt DMD protein function with a negative predictive value of 95%. In summary, the available evidence is currently insufficient to determine the role of this variant in disease. Therefore, it has been classified as a Variant of Uncertain Significance.